The following is an entry in ClinVar:

NM_001360016.2(G6PD):c.833C>T (p.Ser278Phe)

Gene: G6PD (glucose-6-phosphate dehydrogenase; minus strand). Cytogenetic location: Xq28.
Variant type: single nucleotide variant.
Coding change: c.833C>T on transcript NM_001360016.2 (MANE Select); coding-DNA position 833, C replaced by T.
Protein change: p.Ser278Phe; replaces serine 278 with phenylalanine.
Molecular consequence: missense variant.
Genome position (GRCh38, 1-based): chrX:154,533,607, G>A on the plus strand (C>T on the coding strand, the complement: G6PD is on the minus strand). VCF-style: chrX-154533607-G-A. GRCh37 (hg19) VCF-style: chrX-153761822-G-A.
Other names: G6PD Wexham; c.923C>T, p.Ser308Phe (NM_000402.4); c.833C>T, p.Ser278Phe (NM_001042351.3); short protein forms S278F, S308F.
Identifiers: ClinVar variation 1722589 (VCV001722589.3), dbSNP rs2523265461, ClinGen allele CA415235166.

ClinVar aggregate classification (germline): Likely pathogenic. Review status: criteria provided, multiple submitters, no conflicts (2 of 4 stars). 2 submissions from 2 submitters: Likely pathogenic (2). Last evaluated 2025-02-16.

Conditions:
Anemia, nonspherocytic hemolytic, due to G6PD deficiency (CNSHA1). Also called: Hemolytic anemia due to G6PD deficiency; Class I glucose-6-phosphate dehydrogenase deficiency; Favism, susceptibility to; ANEMIA, CONGENITAL, NONSPHEROCYTIC HEMOLYTIC, 1. Identifiers: Orphanet 466026, MedGen C2720289, MONDO:0010480, OMIM 300908.

Submissions (2):

Laboratory of Genetics, Children's Clinical University Hospital Latvia
Classification: Likely pathogenic. Last evaluated: 2025-02-16. Review status: criteria provided, single submitter. Criteria: ACMG Guidelines, 2015. Collection method: clinical testing. Allele origin: germline. Affected: yes.

Dunham Lab, University of Washington
Classification: Likely pathogenic for Anemia, nonspherocytic hemolytic, due to G6PD deficiency. Last evaluated: 2022-08-12. Review status: criteria provided, single submitter. Criteria: Bayesian ACMG Guidelines, 2018. Collection method: curation. Allele origin: unknown. Affected: yes.
Comment: Decreased activity in red blood cells (1%) (PS3). Not found in gnomAD (PM2). Post_P 0.949 (odds of pathogenicity 168.4, Prior_P 0.1).

Literature cited by the submitters: PubMed 7858267 (cited by Dunham Lab, University of Washington).